The following is an entry in ClinVar:

NM_006431.3(CCT2):c.310G>A (p.Val104Ile)

Gene: CCT2 (chaperonin containing TCP1 subunit 2; plus strand). Cytogenetic location: 12q15.
Variant type: single nucleotide variant.
Coding change: c.310G>A on transcript NM_006431.3 (MANE Select); coding-DNA position 310, G replaced by A.
Protein change: p.Val104Ile; replaces valine 104 with isoleucine.
Molecular consequence: missense variant.
Genome position (GRCh38, 1-based): chr12:69,587,983, G>A. VCF-style: chr12-69587983-G-A. GRCh37 (hg19) VCF-style: chr12-69981763-G-A.
Other names: c.169G>A, p.Val57Ile (NM_001198842.2); short protein forms V104I, V57I.
Identifiers: ClinVar variation 1392423 (VCV001392423.8), dbSNP rs749401932, ClinGen allele CA6680532.

ClinVar aggregate classification (germline): Uncertain significance (1 of 4 stars; one submission).

Allele frequency attached by ClinVar (database versions not stated): gnomAD 0.00001; gnomAD exomes 0.00001; TOPMed 0.00001; ExAC 0.00002.
gnomAD v4.1: 11 of 1,613,374 alleles (0.00068%); highest among the groups gnomAD compares: Middle Eastern, 0.016%; no homozygotes.

Submission:

Labcorp Genetics (formerly Invitae), Labcorp
Classification: Uncertain significance. Last evaluated: 2024-04-27. Review status: criteria provided, single submitter. Criteria: Invitae Variant Classification Sherloc (09022015). Collection method: clinical testing. Allele origin: germline.
Comment: This sequence change replaces valine, which is neutral and non-polar, with isoleucine, which is neutral and non-polar, at codon 104 of the CCT2 protein (p.Val104Ile). This variant is present in population databases (rs749401932, gnomAD 0.003%). This variant has not been reported in the literature in individuals affected with CCT2-related conditions. ClinVar contains an entry for this variant (Variation ID: 1392423). An algorithm developed to predict the effect of missense changes on protein structure and function (PolyPhen-2) suggests that this variant is likely to be tolerated. In summary, the available evidence is currently insufficient to determine the role of this variant in disease. Therefore, it has been classified as a Variant of Uncertain Significance.